The following is an entry in ClinVar:

ClinVar aggregate classification (germline): Likely pathogenic. Review status: criteria provided, multiple submitters, no conflicts (2 of 4 stars). 2 submissions from 2 submitters: Likely pathogenic (2). Last evaluated 2026-04-28.

Conditions:
Inborn genetic diseases. Identifiers: MedGen C0950123, MeSH D030342.

Submissions (2):

Wales Gene Park, Division Of Cancer and Genetics, Cardiff University
Classification: Likely pathogenic for Inborn genetic diseases. Last evaluated: 2026-04-28. Review status: criteria provided, single submitter. Criteria: ACGS Best Practice Guidelines for Variant Classification in Rare Disease 2024. Collection method: research. Allele origin: de novo. Inheritance: Autosomal dominant inheritance. Affected: yes. Study: 100,000 Genomes Project (Wales).
Comment: De novo GLI3 nonsense variant detected by trio genome sequencing. Not in gnomAD (v4.1.1). Phenotype consistent with gene but not highly specific. Evidence codes: PVS1_strong, PM2, PS2_moderate.

GeneDx
Classification: Likely pathogenic. Last evaluated: 2024-09-27. Review status: criteria provided, single submitter. Criteria: GeneDx Variant Classification Process June 2021. Collection method: clinical testing. Allele origin: germline.
Comment: Nonsense variant predicted to result in protein truncation, as the last 334 amino acids are lost, and other loss-of-function variants have been reported downstream in HGMD; Not observed at significant frequency in large population cohorts (gnomAD); Has not been previously published as pathogenic or benign to our knowledge

NM_000168.6(GLI3):c.3739C>T (p.Gln1247Ter)

Gene: GLI3 (GLI family zinc finger 3; minus strand). Cytogenetic location: 7p14.1.
Variant type: single nucleotide variant.
Coding change: c.3739C>T on transcript NM_000168.6 (MANE Select); coding-DNA position 3739, C replaced by T.
Protein change: p.Gln1247Ter; replaces glutamine 1247 with a stop codon.
Molecular consequence: nonsense.
Genome position (GRCh38, 1-based): chr7:41,965,334, G>A on the plus strand (C>T on the coding strand, the complement: GLI3 is on the minus strand). VCF-style: chr7-41965334-G-A. GRCh37 (hg19) VCF-style: chr7-42004932-G-A.
Other names: short protein forms Q1247*.
Identifiers: ClinVar variation 2662836 (VCV002662836.3), dbSNP rs2484369783, ClinGen allele CA367317164.